The following is an entry in ClinVar:

NM_001369268.1(ACAN):c.1236G>A (p.Leu412=)

Gene: ACAN (aggrecan; plus strand). Cytogenetic location: 15q26.1.
Variant type: single nucleotide variant.
Coding change: c.1236G>A on transcript NM_001369268.1 (MANE Select); coding-DNA position 1236, G replaced by A.
Protein change: p.Leu412=; no amino-acid change (leucine 412 retained).
Molecular consequence: synonymous variant.
Genome position (GRCh38, 1-based): chr15:88,845,689, G>A. VCF-style: chr15-88845689-G-A. GRCh37 (hg19) VCF-style: chr15-89388920-G-A.
Other names: c.1236G>A, p.Leu412= (NM_001135.4, NM_013227.4).
Identifiers: ClinVar variation 773052 (VCV000773052.36), dbSNP rs116981974, ClinGen allele CA7719503.

ClinVar aggregate classification (germline): Benign. Review status: criteria provided, multiple submitters, no conflicts (2 of 4 stars). 4 submissions from 4 submitters: Benign (4). Last evaluated 2026-07-01.

Allele frequency attached by ClinVar (database versions not stated): 1000 Genomes Project 0.00319; 1000 Genomes Project 30x 0.00422; ESP Exome Variant Server 0.00648; TOPMed 0.00694; gnomAD 0.00696 and 0.00713; ExAC 0.00697; gnomAD exomes 0.00703 and 0.00860.
gnomAD v4.1: 13,706 of 1,614,042 alleles (0.85%); highest among the groups gnomAD compares: Middle Eastern, 1.3%; 67 homozygotes.

Submissions (14):

CeGaT Center for Human Genetics Tuebingen
Classification: Benign. Last evaluated: 2026-07-01. Review status: criteria provided, single submitter. Criteria: CeGaT Center For Human Genetics Tuebingen Variant Classification Criteria Version 2. Collection method: clinical testing. Allele origin: germline. Affected: yes. Observed: 8 variant alleles.
Comment: ACAN: BP4, BP7, BS1, BS2

Women's Health and Genetics/Laboratory Corporation of America, LabCorp
Classification: Benign. Last evaluated: 2026-05-11. Review status: criteria provided, single submitter. Criteria: LabCorp Variant Classification Summary - May 2015. Collection method: clinical testing. Allele origin: germline.

Labcorp Genetics (formerly Invitae), Labcorp
Classification: Benign. Last evaluated: 2026-02-01. Review status: criteria provided, single submitter. Criteria: Invitae Variant Classification Sherloc (09022015). Collection method: clinical testing. Allele origin: germline.

Breakthrough Genomics
Classification: Benign. Review status: criteria provided, single submitter. Criteria: ACMG Guidelines, 2015. Collection method: not provided. Allele origin: germline. Inheritance: Autosomal recessive inheritance. Affected: yes.

Dr. Peter K. Rogan Lab, Western University
No classification provided (evidence only). Condition: Clear cell carcinoma of kidney. Review status: no classification provided. Collection method: in vitro. Allele origin: not applicable. Functional consequence: retained intron. Not counted in ClinVar's aggregate classification.

Dr. Peter K. Rogan Lab, Western University
No classification provided (evidence only). Condition: Clear cell carcinoma of kidney. Review status: no classification provided. Collection method: in vitro. Allele origin: not applicable. Functional consequence: retained intron. Not counted in ClinVar's aggregate classification.

Dr. Peter K. Rogan Lab, Western University
No classification provided (evidence only). Condition: Melanoma. Review status: no classification provided. Collection method: in vitro. Allele origin: not applicable. Functional consequence: retained intron. Not counted in ClinVar's aggregate classification.

Dr. Peter K. Rogan Lab, Western University
No classification provided (evidence only). Condition: Colon adenocarcinoma. Review status: no classification provided. Collection method: in vitro. Allele origin: not applicable. Functional consequence: retained intron. Not counted in ClinVar's aggregate classification.

Dr. Peter K. Rogan Lab, Western University
No classification provided (evidence only). Condition: Thyroid cancer, nonmedullary, 1. Review status: no classification provided. Collection method: in vitro. Allele origin: not applicable. Functional consequence: retained intron. Not counted in ClinVar's aggregate classification.

Dr. Peter K. Rogan Lab, Western University
No classification provided (evidence only). Condition: Hepatocellular carcinoma. Review status: no classification provided. Collection method: in vitro. Allele origin: not applicable. Functional consequence: retained intron. Not counted in ClinVar's aggregate classification.

Dr. Peter K. Rogan Lab, Western University
No classification provided (evidence only). Condition: Gastric cancer. Review status: no classification provided. Collection method: in vitro. Allele origin: not applicable. Functional consequence: retained intron. Not counted in ClinVar's aggregate classification.

Dr. Peter K. Rogan Lab, Western University
No classification provided (evidence only). Condition: Gastric cancer. Review status: no classification provided. Collection method: in vitro. Allele origin: not applicable. Functional consequence: retained intron. Not counted in ClinVar's aggregate classification.

Dr. Peter K. Rogan Lab, Western University
No classification provided (evidence only). Condition: Malignant tumor of esophagus. Review status: no classification provided. Collection method: in vitro. Allele origin: not applicable. Functional consequence: retained intron. Not counted in ClinVar's aggregate classification.

Dr. Peter K. Rogan Lab, Western University
No classification provided (evidence only). Condition: Malignant tumor of esophagus. Review status: no classification provided. Collection method: in vitro. Allele origin: not applicable. Functional consequence: retained intron. Not counted in ClinVar's aggregate classification.